The following is an entry in ClinVar:

NM_000718.4(CACNA1B):c.6022G>A (p.Glu2008Lys)

Gene: CACNA1B (calcium voltage-gated channel subunit alpha1 B; plus strand). Cytogenetic location: 9q34.3.
Variant type: single nucleotide variant.
Coding change: c.6022G>A on transcript NM_000718.4 (MANE Select); coding-DNA position 6022, G replaced by A.
Protein change: p.Glu2008Lys; replaces glutamic acid 2008 with lysine.
Molecular consequence: missense variant.
Genome position (GRCh38, 1-based): chr9:138,118,760, G>A. VCF-style: chr9-138118760-G-A. GRCh37 (hg19) VCF-style: chr9-141013212-G-A.
Other names: c.6022G>A, p.Glu2008Lys (NM_001243812.2); c.6022G>A (NM_000718.3); short protein forms E2008K.
Identifiers: ClinVar variation 2064557 (VCV002064557.8), dbSNP rs201120810, ClinGen allele CA5377572.

ClinVar aggregate classification (germline): Conflicting classifications of pathogenicity. Review status: criteria provided, conflicting classifications (1 of 4 stars). 4 submissions from 4 submitters: Uncertain significance (2); Benign (1). 1 of the submissions does not count toward it. Last evaluated 2026-01-12.

Conditions:
CACNA1B-related disorder. Also called: CACNA1B-related condition.

Allele frequency attached by ClinVar (database versions not stated): ExAC 0.00072; 1000 Genomes Project 30x 0.00078; 1000 Genomes Project 0.00100; gnomAD 0.00110; TOPMed 0.00130; ESP Exome Variant Server 0.00162; gnomAD exomes 0.00010.
gnomAD v4.1: 311 of 1,486,676 alleles (0.021%); highest among the groups gnomAD compares: African/African-American, 0.37%; no homozygotes.

Submissions (4):

Labcorp Genetics (formerly Invitae), Labcorp
Classification: Benign. Last evaluated: 2026-01-12. Review status: criteria provided, single submitter. Criteria: Invitae Variant Classification Sherloc (09022015). Collection method: clinical testing. Allele origin: germline.

Ambry Genetics
Classification: Uncertain significance. Last evaluated: 2025-08-22. Review status: criteria provided, single submitter. Criteria: Ambry Variant Classification Scheme 2023. Collection method: clinical testing. Allele origin: germline.

GeneDx
Classification: Uncertain significance. Last evaluated: 2024-06-09. Review status: criteria provided, single submitter. Criteria: GeneDx Variant Classification Process June 2021. Collection method: clinical testing. Allele origin: germline. Affected: yes.
Comment: In silico analysis supports that this missense variant has a deleterious effect on protein structure/function; Has not been previously published as pathogenic or benign to our knowledge; Variants in candidate genes are classified as variants of uncertain significance in accordance with ACMG guidelines (PMID: 25741868)

PreventionGenetics, part of Exact Sciences
Classification: Likely benign for CACNA1B-related condition. Last evaluated: 2022-02-23. Review status: no assertion criteria provided. Collection method: clinical testing. Allele origin: germline. Not counted in ClinVar's aggregate classification.
Comment: This variant is classified as likely benign based on ACMG/AMP sequence variant interpretation guidelines (Richards et al. 2015 PMID: 25741868, with internal and published modifications).